The following is an entry in ClinVar:

ClinVar aggregate classification (germline): Conflicting classifications of pathogenicity. Review status: criteria provided, conflicting classifications (1 of 4 stars). 5 submissions from 5 submitters: Uncertain significance (4); Likely benign (1). Last evaluated 2026-08-13.

Conditions:
CEBPA-related disorder. Also called: CEBPA-related condition.
Inborn genetic diseases. Identifiers: MedGen C0950123, MeSH D030342.
Acute myeloid leukemia (AML). Also called: Acute myeloid leukemia, adult; AML adult; Acute non-lymphocytic leukemia; Acute granulocytic leukemia; Leukemia, acute myelogenous, somatic; Leukemia, acute myeloid, somatic. Identifiers: Orphanet 519, MedGen C0023467, MeSH D015470, MONDO:0018874, OMIM 601626, HP:0004808. Disease mechanism: Constitutively activated FLT3.

Submissions (5):

PreventionGenetics, part of Exact Sciences
Classification: Uncertain significance for CEBPA-related condition. Last evaluated: 2026-08-13. Review status: criteria provided, single submitter. Criteria: ACMG Guidelines, 2015. Collection method: clinical testing. Allele origin: germline.
Comment: The CEBPA c.558_566del9 variant is predicted to result in an in-frame deletion (p.Pro187_Pro189del). This variant has been reported in individuals with acute myeloid leukemia (Ho et al. 2009. PubMed ID: 19304957; Supplemental Table 1, Green et al. 2010. PubMed ID: 20439648). This variant is reported in 0.048% of alleles in individuals of Latino descent in gnomAD. This variant has conflicting interpretations in ClinVar ranging from uncertain to likely benign (Variation ID: 239924). At this time, the clinical significance of this variant is uncertain due to the absence of conclusive functional and genetic evidence.

Labcorp Genetics (formerly Invitae), Labcorp
Classification: Uncertain significance for Acute myeloid leukemia. Last evaluated: 2025-11-03. Review status: criteria provided, single submitter. Criteria: Invitae Variant Classification Sherloc (09022015). Collection method: clinical testing. Allele origin: germline.
Comment: This variant, c.558_566del, results in the deletion of 3 amino acid(s) of the CEBPA protein (p.Pro187_Pro189del), but otherwise preserves the integrity of the reading frame. The frequency data for this variant in the population databases is considered unreliable, as metrics indicate poor data quality at this position in the gnomAD database. This variant has been observed in individual(s) with acute myeloid leukemia (PMID: 19304957, 20439648). ClinVar contains an entry for this variant (Variation ID: 239924). Experimental studies and prediction algorithms are not available or were not evaluated, and the functional significance of this variant is currently unknown. In summary, the available evidence is currently insufficient to determine the role of this variant in disease. Therefore, it has been classified as a Variant of Uncertain Significance.

St. Jude Molecular Pathology, St. Jude Children's Research Hospital
Classification: Uncertain significance for Acute myeloid leukemia. Last evaluated: 2025-06-17. Review status: criteria provided, single submitter. Criteria: St. Jude Assertion Criteria 2020. Collection method: clinical testing. Allele origin: germline.
Comment: The CEBPA c.558_566del p.(Pro187_Pro189del) change deletes nine nucleotides at position 187-189 resulting in an in-frame deletion of three amino acid residues. This variant has a maximum subpopulation frequency of 0.05% in gnomAD v2.1.1. This variant has been reported in individuals with acute myeloid leukemia (PMID: 19304957, 20439648). In summary, the evidence currently available is insufficient to determine the clinical significance of this variant. It has therefore been classified as of uncertain significance.

GeneDx
Classification: Uncertain significance. Last evaluated: 2024-03-22. Review status: criteria provided, single submitter. Criteria: GeneDx Variant Classification Process June 2021. Collection method: clinical testing. Allele origin: germline. Affected: yes.
Comment: In-frame deletion of 3 amino acids in a non-repeat region; In silico analysis supports that this variant does not alter protein structure/function; Has not been previously published as a germline pathogenic or benign variant to our knowledge; This variant is associated with the following publications: (PMID: 204396, 19304957, 21455213)

Ambry Genetics
Classification: Likely benign for Inborn genetic diseases. Last evaluated: 2024-03-20. Review status: criteria provided, single submitter. Criteria: Ambry Variant Classification Scheme 2023. Collection method: clinical testing. Allele origin: germline.

Literature cited by the submitters: PubMed 19304957 (cited by Labcorp Genetics (formerly Invitae), Labcorp); PubMed 20439648 (cited by Labcorp Genetics (formerly Invitae), Labcorp).

NM_004364.5(CEBPA):c.546GCC[4] (p.Pro187_Pro189del)

Gene: CEBPA (CCAAT enhancer binding protein alpha; minus strand). Cytogenetic location: 19q13.11.
Variant type: Microsatellite.
Coding change: c.546GCC[4] on transcript NM_004364.5 (MANE Select); four copies in a row of the 3-base unit GCC starting at c.546; the reference has seven copies in a row; three copies, 9 bases deleted; also written c.558_566del.
Protein change: p.Pro187_Pro189del.
Molecular consequence: inframe deletion.
Genome position (GRCh38, 1-based): chr19:33,301,849-33,301,857, GGCGGCGGC deleted on the plus strand (GCCGCCGCC on the coding strand, the reverse complement: CEBPA is on the minus strand); deleting any 9 consecutive bases within chr19:33,301,849-33,301,869 gives the same sequence; the position shown is the placement nearest the transcript's 3' end. VCF-style (leftmost placement, unchanged base first): chr19-33301848-GGGCGGCGGC-G. GRCh37 (hg19) VCF-style: chr19-33792754-GGGCGGCGGC-G.
Other names: c.558_566del (NM_004364.3); c.189GCC[4], p.Pro68_Pro70del (NM_001285829.2); c.651GCC[4], p.Pro222_Pro224del (NM_001287424.2); c.504GCC[4], p.Pro173_Pro175del (NM_001287435.2); c.558_566delGCCGCCGCC (NM_004364.4, NM_004364.3); c.558_566del9 (NM_004364.4).
Identifiers: ClinVar variation 239924 (VCV000239924.18), dbSNP rs746430067, ClinGen allele CA9363707.